The following is an entry in ClinVar:

ClinVar aggregate classification (germline): Uncertain significance (1 of 4 stars; one submission).

Conditions:
Congenital glucose-galactose malabsorption (GGM). Also called: MONOSACCHARIDE MALABSORPTION; DIARRHEA 16. Identifiers: Orphanet 35710, MedGen C0268186, MONDO:0011731, OMIM 606824.

Allele frequency attached by ClinVar (database versions not stated): gnomAD exomes below 0.00001; TOPMed below 0.00001; gnomAD 0.00001; ExAC 0.00002.
gnomAD v4.1: 7 of 1,614,046 alleles (0.00043%); highest among the groups gnomAD compares: Admixed American, 0.0033%; no homozygotes.

Submission:

Labcorp Genetics (formerly Invitae), Labcorp
Classification: Uncertain significance for Congenital glucose-galactose malabsorption. Last evaluated: 2022-05-20. Review status: criteria provided, single submitter. Criteria: Invitae Variant Classification Sherloc (09022015). Collection method: clinical testing. Allele origin: germline.
Comment: This sequence change replaces isoleucine, which is neutral and non-polar, with valine, which is neutral and non-polar, at codon 571 of the SLC5A1 protein (p.Ile571Val). This variant is present in population databases (rs780176626, gnomAD 0.006%). This variant has not been reported in the literature in individuals affected with SLC5A1-related conditions. Algorithms developed to predict the effect of missense changes on protein structure and function output the following: SIFT: "Tolerated"; PolyPhen-2: "Benign"; Align-GVGD: "Class C0". The valine amino acid residue is found in multiple mammalian species, which suggests that this missense change does not adversely affect protein function. In summary, the available evidence is currently insufficient to determine the role of this variant in disease. Therefore, it has been classified as a Variant of Uncertain Significance.

NM_000343.4(SLC5A1):c.1711A>G (p.Ile571Val)

Gene: SLC5A1 (solute carrier family 5 member 1; plus strand). Cytogenetic location: 22q12.3.
Variant type: single nucleotide variant.
Coding change: c.1711A>G on transcript NM_000343.4 (MANE Select); coding-DNA position 1711, A replaced by G.
Protein change: p.Ile571Val; replaces isoleucine 571 with valine.
Molecular consequence: missense variant.
Genome position (GRCh38, 1-based): chr22:32,104,831, A>G. VCF-style: chr22-32104831-A-G. GRCh37 (hg19) VCF-style: chr22-32500818-A-G.
Other names: c.1330A>G, p.Ile444Val (NM_001256314.2); short protein forms I571V, I444V.
Identifiers: ClinVar variation 1996914 (VCV001996914.1), dbSNP rs780176626, ClinGen allele CA10198302.